The following is an entry in ClinVar:

NM_000246.4(CIITA):c.225C>T (p.Cys75=)

Gene: CIITA (class II major histocompatibility complex transactivator; plus strand). Cytogenetic location: 16p13.13.
Variant type: single nucleotide variant.
Coding change: c.225C>T on transcript NM_000246.4 (MANE Select); coding-DNA position 225, C replaced by T.
Protein change: p.Cys75=; no amino-acid change (cysteine 75 retained).
Molecular consequence: synonymous variant. On other transcripts: non-coding transcript variant (1).
Genome position (GRCh38, 1-based): chr16:10,895,694, C>T. VCF-style: chr16-10895694-C-T. GRCh37 (hg19) VCF-style: chr16-10989551-C-T.
Other names: c.225C>T, p.Cys75= (NM_001286402.1, NM_001286403.2, NM_001379330.1 and 3 more transcripts); c.153C>T, p.Cys51= (NM_001379334.1).
Identifiers: ClinVar variation 317677 (VCV000317677.18), dbSNP rs2229318, ClinGen allele CA7899621.

ClinVar aggregate classification (germline): Benign. Review status: criteria provided, multiple submitters, no conflicts (2 of 4 stars). 5 submissions from 5 submitters: Benign (4). 1 of the submissions does not count toward it. Last evaluated 2026-02-02.

Conditions:
MHC class II deficiency. Also called: Bare lymphocyte syndrome 2; BLS, TYPE II. Identifiers: Orphanet 572, MedGen C5447452, MONDO:0008855.

Allele frequency attached by ClinVar (database versions not stated): gnomAD exomes 0.00778 and 0.00296; ExAC 0.00947; 1000 Genomes Project 0.03435; ESP Exome Variant Server 0.03540; 1000 Genomes Project 30x 0.03716; gnomAD 0.03037 and 0.03257; TOPMed 0.03453.
gnomAD v4.1: 9,147 of 1,614,074 alleles (0.57%); highest among the groups gnomAD compares: African/African-American, 11%; 469 homozygotes.

Submissions (5):

Labcorp Genetics (formerly Invitae), Labcorp
Classification: Benign for MHC class II deficiency. Last evaluated: 2026-02-02. Review status: criteria provided, single submitter. Criteria: Invitae Variant Classification Sherloc (09022015). Collection method: clinical testing. Allele origin: germline.

Women's Health and Genetics/Laboratory Corporation of America, LabCorp
Classification: Benign. Last evaluated: 2026-01-22. Review status: criteria provided, single submitter. Criteria: LabCorp Variant Classification Summary - May 2015. Collection method: clinical testing. Allele origin: germline.

Illumina Laboratory Services, Illumina
Classification: Benign for MHC class II deficiency 1. Last evaluated: 2018-01-12. Review status: criteria provided, single submitter. Criteria: ICSL Variant Classification Criteria 13 December 2019. Collection method: clinical testing. Allele origin: germline.
Comment: This variant was observed in the ICSL laboratory as part of a predisposition screen in an ostensibly healthy population. It had not been previously curated by ICSL or reported in the Human Gene Mutation Database (HGMD: prior to June 1st, 2018), and was therefore a candidate for classification through an automated scoring system. Utilizing variant allele frequency, disease prevalence and penetrance estimates, and inheritance mode, an automated score was calculated to assess if this variant is too frequent to cause the disease. Based on the score and internal cut-off values, a variant classified as benign is not then subjected to further curation. The score for this variant resulted in a classification of benign for this disease.

Breakthrough Genomics
Classification: Benign. Review status: criteria provided, single submitter. Criteria: ACMG Guidelines, 2015. Collection method: not provided. Allele origin: germline. Inheritance: Autosomal recessive inheritance. Affected: yes.

Natera, Inc.
Classification: Benign for Bare lymphocyte syndrome type II. Last evaluated: 2020-09-16. Review status: no assertion criteria provided. Collection method: clinical testing. Allele origin: germline. Not counted in ClinVar's aggregate classification.